The following is an entry in ClinVar:

NM_000478.6(ALPL):c.1225C>G (p.Pro409Ala)

Gene: ALPL (alkaline phosphatase, biomineralization associated; plus strand). Cytogenetic location: 1p36.12.
Variant type: single nucleotide variant.
Coding change: c.1225C>G on transcript NM_000478.6 (MANE Select); coding-DNA position 1225, C replaced by G.
Protein change: p.Pro409Ala; replaces proline 409 with alanine.
Molecular consequence: missense variant.
Genome position (GRCh38, 1-based): chr1:21,576,557, C>G. VCF-style: chr1-21576557-C-G. GRCh37 (hg19) VCF-style: chr1-21903050-C-G.
Other names: c.1060C>G, p.Pro354Ala (NM_001127501.4); c.994C>G, p.Pro332Ala (NM_001177520.3); c.1225C>G, p.Pro409Ala (NM_001369803.2, NM_001369804.2, NM_001369805.2); short protein forms P332A, P354A, P409A.
Identifiers: ClinVar variation 2671818 (VCV002671818.3), dbSNP rs2545347254, ClinGen allele CA338881729.

ClinVar aggregate classification (germline): Conflicting classifications of pathogenicity. Review status: criteria provided, conflicting classifications (1 of 4 stars). 2 submissions from 2 submitters: Likely pathogenic (1); Uncertain significance (1). Last evaluated 2026-09-01.

Conditions:
Hypophosphatasia. Also called: Phosphoethanol-aminuria. Identifiers: Orphanet 436, MedGen C0020630, MeSH D007014, MONDO:0018570.

Submissions (2):

Genomenon, Inc
Classification: Likely pathogenic for Hypophosphatasia. Last evaluated: 2026-09-01. Review status: criteria provided, single submitter. Criteria: Genomenon Sequence Variant Interpretation Standards - Updated. Collection method: curation. Allele origin: germline. Affected: yes.
Comment: ALPL p.Pro409Ala (c.1225C>G) is a missense variant that changes the amino acid at codon 409 from Proline to Alanine. This variant has been observed in at least one proband affected with an ALPL-related disorder (PMID:40000791;31707452). Functional studies have been reported (PMID:40386289;31707452). It is absent or not present at a significant frequency in gnomAD. In silico models predict that this variant is possibly or probably damaging. In conclusion, we classify ALPL p.Pro409Ala (c.1225C>G) as a likely pathogenic variant.

JKU Lab, Dept of Paediatrics, Johannes Kepler University
Classification: Uncertain significance for Hypophosphatasia. Last evaluated: 2023-02-14. Review status: criteria provided, single submitter. Criteria: ACMG Guidelines, 2015. Collection method: clinical testing. Allele origin: germline. Affected: yes.
Comment: Absent in GnomAD. The functional test results and ACMG criteria applied can be looked up in the ALPL gene variant database.

Literature cited by the submitters: PubMed 40000791 (cited by Genomenon, Inc); PubMed 31707452 (cited by Genomenon, Inc); PubMed 40386289 (cited by Genomenon, Inc).